The following is an entry in ClinVar:

NM_000016.6(ACADM):c.308T>A (p.Phe103Tyr)

Gene: ACADM (acyl-CoA dehydrogenase medium chain; plus strand). Cytogenetic location: 1p31.1.
Variant type: single nucleotide variant.
Coding change: c.308T>A on transcript NM_000016.6 (MANE Select); coding-DNA position 308, T replaced by A.
Protein change: p.Phe103Tyr; replaces phenylalanine 103 with tyrosine.
Molecular consequence: missense variant. On other transcripts: intron variant (1).
Genome position (GRCh38, 1-based): chr1:75,733,549, T>A. VCF-style: chr1-75733549-T-A. GRCh37 (hg19) VCF-style: chr1-76199234-T-A.
Other names: c.320T>A, p.Phe107Tyr (NM_001127328.3); c.200T>A, p.Phe67Tyr (NM_001286042.2); c.407T>A, p.Phe136Tyr (NM_001286043.2); c.-100+627T>A (NM_001286044.2); short protein forms F103Y, F107Y, F136Y, F67Y.
Identifiers: ClinVar variation 2679791 (VCV002679791.2), dbSNP rs1331587978, ClinGen allele CA340811899.

ClinVar aggregate classification (germline): Conflicting classifications of pathogenicity. Review status: criteria provided, conflicting classifications (1 of 4 stars). 2 submissions from 2 submitters: Likely pathogenic (1); Uncertain significance (1). Last evaluated 2024-07-17.

Conditions:
Medium-chain acyl-coenzyme A dehydrogenase deficiency (ACADMD). Also called: MCADH DEFICIENCY; MCADD; ACADM DEFICIENCY; CARNITINE DEFICIENCY SECONDARY TO MEDIUM-CHAIN ACYL-CoA DEHYDROGENASE DEFICIENCY; MCAD Deficiency; Medium chain acyl-CoA dehydrogenase deficiency. Identifiers: Orphanet 42, MedGen C0220710, MONDO:0008721, OMIM 201450.

Allele frequency attached by ClinVar (database versions not stated): gnomAD 0.00001.
gnomAD v4.1: 1 of 1,613,966 alleles (0.000062%); highest among the groups gnomAD compares: East Asian, 0.0022%; no homozygotes.

Submissions (2):

Women's Health and Genetics/Laboratory Corporation of America, LabCorp
Classification: Uncertain significance. Last evaluated: 2024-07-17. Review status: criteria provided, single submitter. Criteria: LabCorp Variant Classification Summary - May 2015. Collection method: clinical testing. Allele origin: germline.
Comment: Variant summary: ACADM c.308T>A (p.Phe103Tyr) results in a conservative amino acid change located in the Acyl-CoA dehydrogenase/oxidase, N-terminal domain (IPR013786) of the encoded protein sequence. Three of five in-silico tools predict a damaging effect of the variant on protein function. The variant was absent in 251416 control chromosomes (gnomAD). c.308T>A has been reported in the literature in individuals affected with Medium Chain Acyl-CoA Dehydrogenase Deficiency (Gong_2021). These data indicate that the variant may be associated with disease. To our knowledge, no experimental evidence demonstrating an impact on protein function has been reported. The following publication has been ascertained in the context of this evaluation (PMID: 33841490). ClinVar contains an entry for this variant (Variation ID: 2679791). Based on the evidence outlined above, the variant was classified as VUS-possibly pathogenic.

Baylor Genetics
Classification: Likely pathogenic for Medium-chain acyl-coenzyme A dehydrogenase deficiency. Last evaluated: 2023-09-27. Review status: criteria provided, single submitter. Criteria: ACMG Guidelines, 2015. Collection method: clinical testing. Allele origin: unknown.

Literature cited by the submitters: PubMed 33841490 (cited by Women's Health and Genetics/Laboratory Corporation of America, LabCorp).